The following is an entry in ClinVar:

ClinVar aggregate classification (germline): Uncertain significance (1 of 4 stars; one submission).

Conditions:
Hereditary cancer-predisposing syndrome. Also called: Neoplastic Syndromes, Hereditary; Tumor predisposition; Hereditary Cancer Syndrome; Hereditary neoplastic syndrome. Identifiers: Orphanet 140162, MedGen C0027672, MeSH D009386, MONDO:0015356.

Submission:

Ambry Genetics
Classification: Uncertain significance for Hereditary cancer-predisposing syndrome. Last evaluated: 2026-07-08. Review status: criteria provided, single submitter. Criteria: Ambry Variant Classification Scheme 2023. Collection method: clinical testing. Allele origin: germline.
Comment: The p.P484S variant (also known as c.1450C>T), located in coding exon 10 of the CDH1 gene, results from a C to T substitution at nucleotide position 1450. The proline at codon 484 is replaced by serine, an amino acid with similar properties. This amino acid position is highly conserved in available vertebrate species. In addition, this alteration is predicted to be deleterious by in silico analysis. Based on the available evidence, the clinical significance of this variant remains unclear.

NM_004360.5(CDH1):c.1450C>T (p.Pro484Ser)

Gene: CDH1 (cadherin 1; plus strand). Cytogenetic location: 16q22.1.
Variant type: single nucleotide variant.
Coding change: c.1450C>T on transcript NM_004360.5 (MANE Select); coding-DNA position 1450, C replaced by T.
Protein change: p.Pro484Ser; replaces proline 484 with serine.
Molecular consequence: missense variant. On other transcripts: 5 prime UTR variant (2).
Genome position (GRCh38, 1-based): chr16:68,815,644, C>T. VCF-style: chr16-68815644-C-T. GRCh37 (hg19) VCF-style: chr16-68849547-C-T.
Other names: c.1267C>T, p.Pro423Ser (NM_001317184.2); c.-99C>T (NM_001317185.2); c.-370C>T (NM_001317186.2); short protein forms P423S, P484S.
Identifiers: ClinVar variation 3224145 (VCV003224145.2), dbSNP rs2152134937, ClinGen allele CA396463067.
Genomic context (GRCh38, chr16:68,815,644, plus strand): 5'-GTCTCTCTCACCACCTCCACAGCCACCGTCACCGTGGATGTGCTGGATGTGAATGAAGCC[C>T]CCATCTTTGTGCCTCCTGAAAAGAGAGTGGAAGTGTCCGAGGACTTTGGCGTGGGCCAGG-3'
Protein context (NP_004351.1, residues 474-494): TVDVLDVNEA[Pro484Ser]IFVPPEKRVE